The following is an entry in ClinVar:

NM_001197104.2(KMT2A):c.4619C>A (p.Thr1540Asn)

Gene: KMT2A (lysine methyltransferase 2A; plus strand). Cytogenetic location: 11q23.3.
Variant type: single nucleotide variant.
Coding change: c.4619C>A on transcript NM_001197104.2 (MANE Select); coding-DNA position 4619, C replaced by A.
Protein change: p.Thr1540Asn; replaces threonine 1540 with asparagine.
Molecular consequence: missense variant.
Genome position (GRCh38, 1-based): chr11:118,490,172, C>A. VCF-style: chr11-118490172-C-A. GRCh37 (hg19) VCF-style: chr11-118360887-C-A.
Other names: c.4718C>A, p.Thr1573Asn (NM_001412597.1); c.4619C>A, p.Thr1540Asn (NM_005933.4); short protein forms T1540N, T1573N.
Identifiers: ClinVar variation 2571946 (VCV002571946.1), dbSNP rs2134334548, ClinGen allele CA382834018.

ClinVar aggregate classification (germline): Uncertain significance (1 of 4 stars; one submission).

Submission:

GeneDx
Classification: Uncertain significance. Last evaluated: 2023-01-09. Review status: criteria provided, single submitter. Criteria: GeneDx Variant Classification Process June 2021. Collection method: clinical testing. Allele origin: germline. Affected: yes.
Comment: Not observed at significant frequency in large population cohorts (gnomAD); In silico analysis supports that this missense variant does not alter protein structure/function; Has not been previously published as pathogenic or benign to our knowledge